The following is an entry in ClinVar:

NM_000260.4(MYO7A):c.5186C>T (p.Thr1729Met)

Gene: MYO7A (myosin VIIA; plus strand). Cytogenetic location: 11q13.5.
Variant type: single nucleotide variant.
Coding change: c.5186C>T on transcript NM_000260.4 (MANE Select); coding-DNA position 5186, C replaced by T.
Protein change: p.Thr1729Met; replaces threonine 1729 with methionine.
Molecular consequence: missense variant.
Genome position (GRCh38, 1-based): chr11:77,203,077, C>T. VCF-style: chr11-77203077-C-T. GRCh37 (hg19) VCF-style: chr11-76914122-C-T.
Other names: c.5072C>T, p.Thr1691Met (NM_001127180.2); c.5039C>T, p.Thr1680Met (NM_001369365.1); short protein forms T1729M, T1691M, T1680M.
Identifiers: ClinVar variation 883236 (VCV000883236.10), dbSNP rs1367144630, ClinGen allele CA381952025.

ClinVar aggregate classification (germline): Uncertain significance. Review status: criteria provided, multiple submitters, no conflicts (2 of 4 stars). 5 submissions from 3 submitters: Uncertain significance (5). Last evaluated 2024-06-03.

Conditions:
Autosomal recessive nonsyndromic hearing loss 2. Also called: NEUROSENSORY NONSYNDROMIC RECESSIVE DEAFNESS 2; DEAFNESS, AUTOSOMAL RECESSIVE 2. Identifiers: Orphanet 90636, MedGen C1838701, MONDO:0010807, OMIM 600060.
Usher syndrome type 1 (USH1). Also called: RETINITIS PIGMENTOSA AND CONGENITAL DEAFNESS. Identifiers: Orphanet 231169, Orphanet 886, MedGen C1568247, MONDO:0010168, OMIM 276900.
Autosomal dominant nonsyndromic hearing loss 11. Identifiers: Orphanet 90635, MedGen C1832475, MONDO:0011032, OMIM 601317.

Allele frequency attached by ClinVar (database versions not stated): gnomAD exomes 0.00001; TOPMed 0.00005; gnomAD 0.00006.
gnomAD v4.1: 28 of 1,548,030 alleles (0.0018%); highest among the groups gnomAD compares: East Asian, 0.034%; no homozygotes.

Submissions (5):

Labcorp Genetics (formerly Invitae), Labcorp
Classification: Uncertain significance. Last evaluated: 2024-06-03. Review status: criteria provided, single submitter. Criteria: Invitae Variant Classification Sherloc (09022015). Collection method: clinical testing. Allele origin: germline.
Comment: This sequence change replaces threonine, which is neutral and polar, with methionine, which is neutral and non-polar, at codon 1729 of the MYO7A protein (p.Thr1729Met). The frequency data for this variant in the population databases is considered unreliable, as metrics indicate poor data quality at this position in the gnomAD database. This variant has not been reported in the literature in individuals affected with MYO7A-related conditions. ClinVar contains an entry for this variant (Variation ID: 883236). Advanced modeling of protein sequence and biophysical properties (such as structural, functional, and spatial information, amino acid conservation, physicochemical variation, residue mobility, and thermodynamic stability) has been performed at Invitae for this missense variant, however the output from this modeling did not meet the statistical confidence thresholds required to predict the impact of this variant on MYO7A protein function. In summary, the available evidence is currently insufficient to determine the role of this variant in disease. Therefore, it has been classified as a Variant of Uncertain Significance.

Blueprint Genetics
Classification: Uncertain significance. Last evaluated: 2023-10-17. Review status: criteria provided, single submitter. Criteria: ACMG Guidelines, 2015. Collection method: clinical testing. Allele origin: germline.

Illumina Laboratory Services, Illumina
Classification: Uncertain significance for Autosomal recessive nonsyndromic hearing loss 2. Last evaluated: 2018-01-13. Review status: criteria provided, single submitter. Criteria: ICSL Variant Classification Criteria 13 December 2019. Collection method: clinical testing. Allele origin: germline.

Illumina Laboratory Services, Illumina
Classification: Uncertain significance for Usher syndrome type 1. Last evaluated: 2018-01-13. Review status: criteria provided, single submitter. Criteria: ICSL Variant Classification Criteria 13 December 2019. Collection method: clinical testing. Allele origin: germline.

Illumina Laboratory Services, Illumina
Classification: Uncertain significance for Autosomal dominant nonsyndromic hearing loss 11. Last evaluated: 2018-01-13. Review status: criteria provided, single submitter. Criteria: ICSL Variant Classification Criteria 13 December 2019. Collection method: clinical testing. Allele origin: germline.